The following is an entry in ClinVar:

ClinVar aggregate classification (germline): Benign. Review status: criteria provided, multiple submitters, no conflicts (2 of 4 stars). 3 submissions from 3 submitters: Benign (2). 1 of the submissions does not count toward it. Last evaluated 2026-01-26.

Conditions:
PALLD-related disorder. Also called: PALLD-related condition.
Pancreatic adenocarcinoma. Identifiers: MedGen C0281361, MONDO:0006047, HP:0006725.

Allele frequency attached by ClinVar (database versions not stated): gnomAD exomes 0.00040 and 0.00121; gnomAD 0.00046 and 0.00070; TOPMed 0.00072; ExAC 0.00075; 1000 Genomes Project 30x 0.00359; 1000 Genomes Project 0.00399.
gnomAD v4.1: 646 of 1,497,448 alleles (0.043%); highest among the groups gnomAD compares: East Asian, 1.6%; 7 homozygotes.

Submissions (3):

Labcorp Genetics (formerly Invitae), Labcorp
Classification: Benign for Pancreatic adenocarcinoma. Last evaluated: 2026-01-26. Review status: criteria provided, single submitter. Criteria: Invitae Variant Classification Sherloc (09022015). Collection method: clinical testing. Allele origin: germline.

Ambry Genetics
Classification: Benign. Last evaluated: 2024-10-29. Review status: criteria provided, single submitter. Criteria: Ambry Variant Classification Scheme 2023. Collection method: clinical testing. Allele origin: germline.

PreventionGenetics, part of Exact Sciences
Classification: Benign for PALLD-related condition. Last evaluated: 2019-12-18. Review status: no assertion criteria provided. Collection method: clinical testing. Allele origin: germline. Not counted in ClinVar's aggregate classification.
Comment: This variant is classified as benign based on ACMG/AMP sequence variant interpretation guidelines (Richards et al. 2015 PMID: 25741868, with internal and published modifications).

NM_001166108.2(PALLD):c.1965-12910C>G

Gene: PALLD (palladin, cytoskeletal associated protein; plus strand). Cytogenetic location: 4q32.3.
Variant type: single nucleotide variant.
Coding change: c.1965-12910C>G on transcript NM_001166108.2 (MANE Select); 12910 bases into the intron before coding-DNA position 1965, C replaced by G.
Molecular consequence: intron variant. On other transcripts: missense variant (1).
Genome position (GRCh38, 1-based): chr4:168,878,012, C>G. VCF-style: chr4-168878012-C-G. GRCh37 (hg19) VCF-style: chr4-169799163-C-G.
Other names: c.121C>G, p.Pro41Ala (NM_001166110.2); c.1965-12910C>G (NM_016081.4); c.819-12910C>G (NM_001166109.2); c.-157-12910C>G (NM_001367570.1, NM_001367568.1, NM_001367567.1 and 1 more transcripts); short protein forms P41A.
Identifiers: ClinVar variation 135995 (VCV000135995.15), dbSNP rs550499593, ClinGen allele CA332719.